The following is an entry in ClinVar:

NM_002834.5(PTPN11):c.1721A>G (p.Glu574Gly)

Gene: PTPN11 (protein tyrosine phosphatase non-receptor type 11; plus strand). Cytogenetic location: 12q24.13.
Variant type: single nucleotide variant.
Coding change: c.1721A>G on transcript NM_002834.5 (MANE Select); coding-DNA position 1721, A replaced by G.
Protein change: p.Glu574Gly; replaces glutamic acid 574 with glycine.
Molecular consequence: missense variant.
Genome position (GRCh38, 1-based): chr12:112,504,703, A>G. VCF-style: chr12-112504703-A-G. GRCh37 (hg19) VCF-style: chr12-112942507-A-G.
Other names: c.1733A>G, p.Glu578Gly (NM_001330437.2); c.1718A>G, p.Glu573Gly (NM_001374625.1); short protein forms E573G, E578G, E574G.
Identifiers: ClinVar variation 5027622 (VCV005027622.1).

ClinVar aggregate classification (germline): Uncertain significance (1 of 4 stars; one submission).

Conditions:
Cardiovascular phenotype. Identifiers: MedGen CN230736.

gnomAD v4.1: 1 of 1,578,782 alleles (0.000063%); highest among the groups gnomAD compares: Non-Finnish European, 0.000087%; no homozygotes.

Submission:

Ambry Genetics
Classification: Uncertain significance for Cardiovascular phenotype. Last evaluated: 2026-07-13. Review status: criteria provided, single submitter. Criteria: Ambry Variant Classification Scheme 2023. Collection method: clinical testing. Allele origin: germline.
Comment: The p.E574G variant (also known as c.1721A>G), located in coding exon 15 of the PTPN11 gene, results from an A to G substitution at nucleotide position 1721. The glutamic acid at codon 574 is replaced by glycine, an amino acid with similar properties. This amino acid position is conserved. In addition, this alteration is predicted to be tolerated by in silico analysis. Based on the available evidence, the clinical significance of this variant remains unclear.